The following is an entry in ClinVar:

ClinVar aggregate classification (germline): Uncertain significance (1 of 4 stars; one submission).

Allele frequency attached by ClinVar (database versions not stated): gnomAD 0.00001; TOPMed below 0.00001.
gnomAD v4.1: 1 of 1,613,276 alleles (0.000062%); highest among the groups gnomAD compares: Non-Finnish European, 0.000085%; no homozygotes.

Submission:

Labcorp Genetics (formerly Invitae), Labcorp
Classification: Uncertain significance. Last evaluated: 2022-08-22. Review status: criteria provided, single submitter. Criteria: Invitae Variant Classification Sherloc (09022015). Collection method: clinical testing. Allele origin: germline.
Comment: In summary, the available evidence is currently insufficient to determine the role of this variant in disease. Therefore, it has been classified as a Variant of Uncertain Significance. Algorithms developed to predict the effect of missense changes on protein structure and function are either unavailable or do not agree on the potential impact of this missense change (SIFT: "Deleterious"; PolyPhen-2: "Probably Damaging"; Align-GVGD: "Class C0"). ClinVar contains an entry for this variant (Variation ID: 454959). This variant has not been reported in the literature in individuals affected with DYX1C1-related conditions. This variant is not present in population databases (gnomAD no frequency). This sequence change replaces alanine, which is neutral and non-polar, with proline, which is neutral and non-polar, at codon 406 of the DYX1C1 protein (p.Ala406Pro).

NM_130810.4(DNAAF4):c.1216G>C (p.Ala406Pro)

Genes: DNAAF4 (dynein axonemal assembly factor 4; minus strand), DNAAF4-CCPG1 (DNAAF4-CCPG1 readthrough (NMD candidate); minus strand). Cytogenetic location: 15q21.3.
Variant type: single nucleotide variant.
Coding change: c.1216G>C on transcript NM_130810.4 (MANE Select); coding-DNA position 1216, G replaced by C.
Protein change: p.Ala406Pro; replaces alanine 406 with proline.
Molecular consequence: missense variant. On other transcripts: intron variant (1).
Genome position (GRCh38, 1-based): chr15:55,430,717, C>G on the plus strand (G>C on the coding strand, the complement: DNAAF4 is on the minus strand). VCF-style: chr15-55430717-C-G. GRCh37 (hg19) VCF-style: chr15-55722915-C-G.
Other names: c.1110G>C, p.Met370Ile (NM_001033559.3); c.1047+4188G>C (NM_001033560.2); short protein forms A406P, M370I.
Identifiers: ClinVar variation 454959 (VCV000454959.11), dbSNP rs1172357940, ClinGen allele CA392546627.